The following is an entry in ClinVar:

ClinVar aggregate classification (germline): Conflicting classifications of pathogenicity. Review status: criteria provided, conflicting classifications (1 of 4 stars). 6 submissions from 6 submitters: Uncertain significance (4); Likely benign (1). 1 of the submissions does not count toward it. Last evaluated 2025-09-05.

Conditions:
Breast and/or ovarian cancer. Identifiers: MedGen CN221562.
Hereditary cancer-predisposing syndrome. Also called: Hereditary neoplastic syndrome; Hereditary Cancer Syndrome; Neoplastic Syndromes, Hereditary; Tumor predisposition. Identifiers: Orphanet 140162, MedGen C0027672, MeSH D009386, MONDO:0015356.
Hereditary breast ovarian cancer syndrome. Also called: BRCA1- and BRCA2-Associated Hereditary Breast and Ovarian Cancer; Hereditary breast and ovarian cancer syndrome; Hereditary breast and ovarian cancer; Hereditary breast and ovarian cancer syndrome (HBOC); Breast and ovarian cancer; Hereditary breast and/or ovarian cancer syndrome. Identifiers: Orphanet 145, MedGen C0677776, MeSH D061325, MONDO:0003582. Disease mechanism: loss of function.

Submissions (6):

Labcorp Genetics (formerly Invitae), Labcorp
Classification: Uncertain significance for Hereditary breast ovarian cancer syndrome. Last evaluated: 2025-09-05. Review status: criteria provided, single submitter. Criteria: Invitae Variant Classification Sherloc (09022015). Collection method: clinical testing. Allele origin: germline.
Comment: This sequence change replaces glycine, which is neutral and non-polar, with valine, which is neutral and non-polar, at codon 1771 of the BRCA2 protein (p.Gly1771Val). This variant is present in population databases (no rsID available, gnomAD 0.006%). This missense change has been observed in individual(s) with breast cancer (PMID: 31706072). ClinVar contains an entry for this variant (Variation ID: 236879). Invitae Evidence Modeling of protein sequence and biophysical properties (such as structural, functional, and spatial information, amino acid conservation, physicochemical variation, residue mobility, and thermodynamic stability) indicates that this missense variant is not expected to disrupt BRCA2 protein function with a negative predictive value of 95%. In summary, the available evidence is currently insufficient to determine the role of this variant in disease. Therefore, it has been classified as a Variant of Uncertain Significance.

GeneDx
Classification: Uncertain significance. Last evaluated: 2023-12-06. Review status: criteria provided, single submitter. Criteria: GeneDx Variant Classification Process June 2021. Collection method: clinical testing. Allele origin: germline. Affected: yes.
Comment: Identified in patients with breast cancer (PMID: 31706072); Not observed at significant frequency in large population cohorts (gnomAD); In silico analysis supports that this missense variant has a deleterious effect on protein structure/function; Also known as 5540G>T; This variant is associated with the following publications: (PMID: 31706072)

University of Washington Department of Laboratory Medicine, University of Washington
Classification: Likely benign for Hereditary cancer-predisposing syndrome. Last evaluated: 2023-03-23. Review status: criteria provided, single submitter. Criteria: Dines et al. (Genet Med. 2020). Collection method: curation. Allele origin: germline.
Comment: Missense variant in a coldspot region where missense variants are very unlikely to be pathogenic (PMID:31911673).

BRCA2 exon 11 coldspot. Reclassification based on statistical prior probability.

Ambry Genetics
Classification: Uncertain significance for Hereditary cancer-predisposing syndrome. Last evaluated: 2022-05-05. Review status: criteria provided, single submitter. Criteria: Ambry Variant Classification Scheme 2023. Collection method: clinical testing. Allele origin: germline.
Comment: The p.G1771V variant (also known as c.5312G>T), located in coding exon 10 of the BRCA2 gene, results from a G to T substitution at nucleotide position 5312. The glycine at codon 1771 is replaced by valine, an amino acid with dissimilar properties. This amino acid position is not well conserved in available vertebrate species. In addition, this alteration is predicted to be tolerated by in silico analysis. Since supporting evidence is limited at this time, the clinical significance of this alteration remains unclear.

Color Diagnostics, LLC DBA Color Health
Classification: Uncertain significance for Hereditary cancer-predisposing syndrome. Last evaluated: 2019-05-05. Review status: criteria provided, single submitter. Criteria: ACMG Guidelines, 2015. Collection method: clinical testing. Allele origin: germline.

Foulkes Cancer Genetics LDI, Lady Davis Institute for Medical Research
Classification: Uncertain significance for Breast and/or ovarian cancer. Last evaluated: 2015-10-15. Review status: no assertion criteria provided. Collection method: clinical testing. Allele origin: germline. Study: The Canadian Open Genetics Repository (COGR). Not counted in ClinVar's aggregate classification.

Literature cited by the submitters: PubMed 31706072 (cited by Labcorp Genetics (formerly Invitae), Labcorp).

NM_000059.4(BRCA2):c.5312G>T (p.Gly1771Val)

Gene: BRCA2 (BRCA2 DNA repair associated; plus strand). Cytogenetic location: 13q13.1.
Variant type: single nucleotide variant.
Coding change: c.5312G>T on transcript NM_000059.4 (MANE Select); coding-DNA position 5312, G replaced by T.
Protein change: p.Gly1771Val; replaces glycine 1771 with valine.
Molecular consequence: missense variant.
Genome position (GRCh38, 1-based): chr13:32,339,667, G>T. VCF-style: chr13-32339667-G-T. GRCh37 (hg19) VCF-style: chr13-32913804-G-T.
Other names: short protein forms G1771V.
Identifiers: ClinVar variation 236879 (VCV000236879.18), dbSNP rs80358755, ClinGen allele CA10583113.
Genomic context (GRCh38, chr13:32,339,667, plus strand): 5'-ACCATTCTGATGAGGTATATAATGATTCAGGATATCTCTCAAAAAATAAACTTGATTCTG[G>T]TATTGAGCCAGTATTGAAGAATGTTGAAGATCAAAAAAACACTAGTTTTTCCAAAGTAAT-3'
Protein context (NP_000050.3, residues 1761-1781): GYLSKNKLDS[Gly1771Val]IEPVLKNVED